The following is an entry in ClinVar:

ClinVar aggregate classification (germline): Uncertain significance. Review status: criteria provided, multiple submitters, no conflicts (2 of 4 stars). 3 submissions from 3 submitters: Uncertain significance (3). Last evaluated 2024-10-22.

Conditions:
KIF23-related disorder. Also called: KIF23-related condition.

Allele frequency attached by ClinVar (database versions not stated): gnomAD 0.00003; ESP Exome Variant Server 0.00008; TOPMed 0.00004.
gnomAD v4.1: 16 of 1,607,376 alleles (0.001%); highest among the groups gnomAD compares: Non-Finnish European, 0.0013%; no homozygotes.

Submissions (3):

Ambry Genetics
Classification: Uncertain significance. Last evaluated: 2024-10-22. Review status: criteria provided, single submitter. Criteria: Ambry Variant Classification Scheme 2023. Collection method: clinical testing. Allele origin: germline.

Labcorp Genetics (formerly Invitae), Labcorp
Classification: Uncertain significance. Last evaluated: 2024-10-18. Review status: criteria provided, single submitter. Criteria: Invitae Variant Classification Sherloc (09022015). Collection method: clinical testing. Allele origin: germline.
Comment: This sequence change replaces serine, which is neutral and polar, with leucine, which is neutral and non-polar, at codon 74 of the KIF23 protein (p.Ser74Leu). This variant is present in population databases (rs377013495, gnomAD 0.002%). This variant has not been reported in the literature in individuals affected with KIF23-related conditions. ClinVar contains an entry for this variant (Variation ID: 2068634). Invitae Evidence Modeling of protein sequence and biophysical properties (such as structural, functional, and spatial information, amino acid conservation, physicochemical variation, residue mobility, and thermodynamic stability) indicates that this missense variant is not expected to disrupt KIF23 protein function with a negative predictive value of 80%. In summary, the available evidence is currently insufficient to determine the role of this variant in disease. Therefore, it has been classified as a Variant of Uncertain Significance.

PreventionGenetics, part of Exact Sciences
Classification: Uncertain significance for KIF23-related condition. Last evaluated: 2023-03-28. Review status: criteria provided, single submitter. Criteria: ACMG Guidelines, 2015. Collection method: clinical testing. Allele origin: germline.
Comment: The KIF23 c.221C>T variant is predicted to result in the amino acid substitution p.Ser74Leu. To our knowledge, this variant has not been reported in the literature. This variant is reported in 0.0031% of alleles in individuals of European (Non-Finnish) descent in gnomAD. At this time, the clinical significance of this variant is uncertain due to the absence of conclusive functional and genetic evidence.

NM_001367805.3(KIF23):c.221C>T (p.Ser74Leu)

Gene: KIF23 (kinesin family member 23; plus strand). Cytogenetic location: 15q23.
Variant type: single nucleotide variant.
Coding change: c.221C>T on transcript NM_001367805.3 (MANE Select); coding-DNA position 221, C replaced by T.
Protein change: p.Ser74Leu; replaces serine 74 with leucine.
Molecular consequence: missense variant. On other transcripts: non-coding transcript variant (2).
Genome position (GRCh38, 1-based): chr15:69,421,657, C>T. VCF-style: chr15-69421657-C-T. GRCh37 (hg19) VCF-style: chr15-69713996-C-T.
Other names: c.221C>T (NM_138555.3, NM_138555.2); c.28C>T, p.His10Tyr (NM_001281301.2); c.221C>T, p.Ser74Leu (NM_001367804.2, NM_004856.7, NM_138555.4); short protein forms S74L, H10Y.
Identifiers: ClinVar variation 2068634 (VCV002068634.6), dbSNP rs377013495, ClinGen allele CA272516011.